The following is an entry in ClinVar:

NM_017617.5(NOTCH1):c.4576G>T (p.Gly1526Cys)

Gene: NOTCH1 (notch receptor 1; minus strand). Cytogenetic location: 9q34.3.
Variant type: single nucleotide variant.
Coding change: c.4576G>T on transcript NM_017617.5 (MANE Select); coding-DNA position 4576, G replaced by T.
Protein change: p.Gly1526Cys; replaces glycine 1526 with cysteine.
Molecular consequence: missense variant.
Genome position (GRCh38, 1-based): chr9:136,505,320, C>A on the plus strand (G>T on the coding strand, the complement: NOTCH1 is on the minus strand). VCF-style: chr9-136505320-C-A. GRCh37 (hg19) VCF-style: chr9-139399772-C-A.
Other names: short protein forms G1526C.
Identifiers: ClinVar variation 3226969 (VCV003226969.1), dbSNP rs2540436824, ClinGen allele CA375646404.

ClinVar aggregate classification (germline): Uncertain significance (1 of 4 stars; one submission).

Conditions:
Familial thoracic aortic aneurysm and aortic dissection (TAAD). Also called: Thoracic aortic aneurysms and dissections. Identifiers: Orphanet 91387, MedGen C4707243, MONDO:0019625.

gnomAD v4.1: 1 of 1,577,158 alleles (0.000063%); highest among the groups gnomAD compares: Non-Finnish European, 0.000086%; no homozygotes.

Submission:

Ambry Genetics
Classification: Uncertain significance for Familial thoracic aortic aneurysm and aortic dissection. Last evaluated: 2023-10-19. Review status: criteria provided, single submitter. Criteria: Ambry Variant Classification Scheme 2023. Collection method: clinical testing. Allele origin: germline.
Comment: The p.G1526C variant (also known as c.4576G>T), located in coding exon 25 of the NOTCH1 gene, results from a G to T substitution at nucleotide position 4576. The glycine at codon 1526 is replaced by cysteine, an amino acid with highly dissimilar properties. This amino acid position is conserved. In addition, the in silico prediction for this alteration is inconclusive. Since supporting evidence is limited at this time, the clinical significance of this alteration remains unclear.